The following is an entry in ClinVar:

NM_000018.4(ACADVL):c.1751+2T>A

Gene: ACADVL (acyl-CoA dehydrogenase very long chain; plus strand). Cytogenetic location: 17p13.1.
Variant type: single nucleotide variant.
Coding change: c.1751+2T>A on transcript NM_000018.4 (MANE Select); the canonical splice donor site of the intron after coding-DNA position 1751, T replaced by A.
Molecular consequence: splice donor variant.
Genome position (GRCh38, 1-based): chr17:7,224,716, T>A. VCF-style: chr17-7224716-T-A. GRCh37 (hg19) VCF-style: chr17-7128035-T-A.
Other names: c.1820+2T>A (NM_001270447.2); c.1523+2T>A (NM_001270448.2); c.1685+2T>A (NM_001033859.3).
Identifiers: ClinVar variation 1481235 (VCV001481235.8), dbSNP rs1597539537, ClinGen allele CA397725798.

ClinVar aggregate classification (germline): Likely pathogenic (1 of 4 stars; one submission).

Conditions:
Very long chain acyl-CoA dehydrogenase deficiency (ACADVLD). Also called: VLCAD Deficiency; Very Long-Chain Acyl-Coenzyme A Dehydrogenase Deficiency. Identifiers: Orphanet 26793, MedGen C3887523, MONDO:0008723, OMIM 201475.

Submission:

Labcorp Genetics (formerly Invitae), Labcorp
Classification: Likely pathogenic for Very long chain acyl-CoA dehydrogenase deficiency. Last evaluated: 2021-03-13. Review status: criteria provided, single submitter. Criteria: Invitae Variant Classification Sherloc (09022015). Collection method: clinical testing. Allele origin: germline.
Comment: In summary, the currently available evidence indicates that the variant is pathogenic, but additional data are needed to prove that conclusively. Therefore, this variant has been classified as Likely Pathogenic. Algorithms developed to predict the effect of sequence changes on RNA splicing suggest that this variant may disrupt the consensus splice site, but this prediction has not been confirmed by published transcriptional studies. Disruption of this splice site has been observed in an individual with a positive newborn screening result for ACADVL-related disease (PMID: 23700290). This variant is not present in population databases (ExAC no frequency). This sequence change affects a donor splice site in intron 18 of the ACADVL gene. It is expected to disrupt RNA splicing. Variants that disrupt the donor or acceptor splice site typically lead to a loss of protein function (PMID: 16199547), and loss-of-function variants in ACADVL are known to be pathogenic (PMID: 9973285, 11590124).

Literature cited by the submitters: PubMed 23700290; PubMed 16199547; PubMed 9973285; PubMed 11590124.